The following is an entry in ClinVar:

ClinVar aggregate classification (germline): Likely benign. Review status: criteria provided, multiple submitters, no conflicts (2 of 4 stars). 2 submissions from 2 submitters: Likely benign (2). Last evaluated 2025-09-02.

Allele frequency attached by ClinVar (database versions not stated): gnomAD 0.00008; ExAC 0.00010; TOPMed 0.00011; gnomAD exomes 0.00020.
gnomAD v4.1: 68 of 1,549,288 alleles (0.0044%); highest among the groups gnomAD compares: Admixed American, 0.071%; no homozygotes.

Submissions (2):

Labcorp Genetics (formerly Invitae), Labcorp
Classification: Likely benign. Last evaluated: 2025-09-02. Review status: criteria provided, single submitter. Criteria: Invitae Variant Classification Sherloc (09022015). Collection method: clinical testing. Allele origin: germline.

GeneDx
Classification: Likely benign. Last evaluated: 2017-12-05. Review status: criteria provided, single submitter. Criteria: GeneDx Variant Classification (06012015). Collection method: clinical testing. Allele origin: germline. Affected: yes.
Comment: This variant is considered likely benign or benign based on one or more of the following criteria: it is a conservative change, it occurs at a poorly conserved position in the protein, it is predicted to be benign by multiple in silico algorithms, and/or has population frequency not consistent with disease.

NM_018993.4(RIN2):c.-25G>A

Gene: RIN2 (Ras and Rab interactor 2; plus strand). Cytogenetic location: 20p11.23.
Variant type: single nucleotide variant.
Coding change: c.-25G>A on transcript NM_018993.4 (MANE Select); 25 bases upstream of the start codon, G replaced by A.
Molecular consequence: 5 prime UTR variant. On other transcripts: synonymous variant (1).
Genome position (GRCh38, 1-based): chr20:19,889,577, G>A. VCF-style: chr20-19889577-G-A. GRCh37 (hg19) VCF-style: chr20-19870221-G-A.
Other names: c.123G>A, p.Ala41= (NM_001242581.2); c.-570G>A (NM_001378238.1).
Identifiers: ClinVar variation 513779 (VCV000513779.5), dbSNP rs374383082, ClinGen allele CA9779670.